The following is an entry in ClinVar:

ClinVar aggregate classification (germline): Pathogenic (1 of 4 stars; one submission).

Conditions:
MEGF8-related Carpenter syndrome. Also called: Carpenter syndrome 2. Identifiers: Orphanet 65759, MedGen C3554247, MONDO:0013998, OMIM 614976.

Allele frequency attached by ClinVar (database versions not stated): gnomAD exomes below 0.00001.

Submission:

Labcorp Genetics (formerly Invitae), Labcorp
Classification: Pathogenic for MEGF8-related Carpenter syndrome. Last evaluated: 2022-09-06. Review status: criteria provided, single submitter. Criteria: Invitae Variant Classification Sherloc (09022015). Collection method: clinical testing. Allele origin: germline.
Comment: For these reasons, this variant has been classified as Pathogenic. This variant has not been reported in the literature in individuals affected with MEGF8-related conditions. This variant is present in population databases (no rsID available, gnomAD 0.004%). This sequence change creates a premature translational stop signal (p.Thr1082Hisfs*190) in the MEGF8 gene. It is expected to result in an absent or disrupted protein product. Loss-of-function variants in MEGF8 are known to be pathogenic (PMID: 23063620).

Literature cited by the submitters: PubMed 23063620.

NM_001271938.2(MEGF8):c.3441del (p.Thr1149fs)

Gene: MEGF8 (multiple EGF like domains 8; plus strand). Cytogenetic location: 19q13.2.
Variant type: Deletion.
Coding change: c.3441del on transcript NM_001271938.2 (MANE Select); coding-DNA position 3441, one base deleted (T; older notation c.3441delT).
Protein change: p.Thr1149fs; shifts the reading frame from threonine 1149.
Molecular consequence: frameshift variant.
Genome position (GRCh38, 1-based): chr19:42,353,018, T deleted. VCF-style (leftmost placement, unchanged base first): chr19-42353017-CT-C. GRCh37 (hg19) VCF-style: chr19-42857169-CT-C.
Other names: c.3240del, p.Thr1082fs (NM_001410.3); short protein forms T1082fs, T1149fs.
Identifiers: ClinVar variation 2128019 (VCV002128019.4), dbSNP rs1568566883, ClinGen allele CA633473428.